The following is an entry in ClinVar:

ClinVar aggregate classification (germline): Pathogenic (1 of 4 stars; one submission).

Conditions:
Pulmonary hypertension, primary, 2. Identifiers: Orphanet 422, MedGen C3888002, MONDO:0014134, OMIM 615342.

Submission:

Labcorp Genetics (formerly Invitae), Labcorp
Classification: Pathogenic for Pulmonary hypertension, primary, 2. Last evaluated: 2023-05-01. Review status: criteria provided, single submitter. Criteria: Invitae Variant Classification Sherloc (09022015). Collection method: clinical testing. Allele origin: germline.
Comment: For these reasons, this variant has been classified as Pathogenic. This variant has not been reported in the literature in individuals affected with SMAD9-related conditions. This variant is a gross deletion of the genomic region encompassing exon(s) 2-3 of the SMAD9 gene, which includes the initiator codon. This deletion extends beyond the assayed region for this gene and therefore may encompass additional genes. It is expected to result in an absent or disrupted protein product. Loss-of-function variants in SMAD9 are known to be pathogenic (PMID: 19419974, 31727138).

Literature cited by the submitters: PubMed 19419974; PubMed 31727138.

NC_000013.10:g.(?_37446775)_(37453826_?)del

Gene: SMAD9 (SMAD family member 9; minus strand). Cytogenetic location: 13q13.3.
Variant type: Deletion.
Identifiers: ClinVar variation 2423749 (VCV002423749.4).